The following is an entry in ClinVar:

ClinVar aggregate classification (germline): Uncertain significance. Review status: criteria provided, multiple submitters, no conflicts (2 of 4 stars). 2 submissions from 2 submitters: Uncertain significance (2). Last evaluated 2023-02-16.

Conditions:
Inborn genetic diseases. Identifiers: MedGen C0950123, MeSH D030342.
Mendelian susceptibility to mycobacterial diseases due to complete IL12RB1 deficiency. Also called: IL12RB1 DEFICIENCY; Immunodeficiency 30. Identifiers: Orphanet 319552, MedGen C4013949, MONDO:0013955, OMIM 614891.

Allele frequency attached by ClinVar (database versions not stated): gnomAD exomes below 0.00001.
gnomAD v4.1: 4 of 1,611,978 alleles (0.00025%); highest among the groups gnomAD compares: Non-Finnish European, 0.00034%; no homozygotes.

Submissions (2):

Ambry Genetics
Classification: Uncertain significance for Inborn genetic diseases. Last evaluated: 2023-02-16. Review status: criteria provided, single submitter. Criteria: Ambry Variant Classification Scheme 2023. Collection method: clinical testing. Allele origin: germline.

Labcorp Genetics (formerly Invitae), Labcorp
Classification: Uncertain significance for Mendelian susceptibility to mycobacterial diseases due to complete IL12RB1 deficiency. Last evaluated: 2021-05-01. Review status: criteria provided, single submitter. Criteria: Invitae Variant Classification Sherloc (09022015). Collection method: clinical testing. Allele origin: germline.
Comment: This variant has not been reported in the literature in individuals with IL12RB1-related conditions. In summary, the available evidence is currently insufficient to determine the role of this variant in disease. Therefore, it has been classified as a Variant of Uncertain Significance. Algorithms developed to predict the effect of missense changes on protein structure and function output the following: SIFT: "Tolerated"; PolyPhen-2: "Benign"; Align-GVGD: "Class C0". The valine amino acid residue is found in multiple mammalian species, suggesting that this missense change does not adversely affect protein function. These predictions have not been confirmed by published functional studies and their clinical significance is uncertain. This variant is not present in population databases (ExAC no frequency). This sequence change replaces isoleucine with valine at codon 418 of the IL12RB1 protein (p.Ile418Val). The isoleucine residue is moderately conserved and there is a small physicochemical difference between isoleucine and valine.

NM_005535.3(IL12RB1):c.1252A>G (p.Ile418Val)

Gene: IL12RB1 (interleukin 12 receptor subunit beta 1; minus strand). Cytogenetic location: 19p13.11.
Variant type: single nucleotide variant.
Coding change: c.1252A>G on transcript NM_005535.3 (MANE Select); coding-DNA position 1252, A replaced by G.
Protein change: p.Ile418Val; replaces isoleucine 418 with valine.
Molecular consequence: missense variant.
Genome position (GRCh38, 1-based): chr19:18,068,464, T>C on the plus strand (A>G on the coding strand, the complement: IL12RB1 is on the minus strand). VCF-style: chr19-18068464-T-C. GRCh37 (hg19) VCF-style: chr19-18179274-T-C.
Other names: c.1252A>G, p.Ile418Val (NM_001290023.2); c.1372A>G, p.Ile458Val (NM_001290024.2); short protein forms I458V, I418V.
Identifiers: ClinVar variation 1504167 (VCV001504167.9), dbSNP rs2034760750, ClinGen allele CA404777614.